The following is an entry in ClinVar:

ClinVar aggregate classification (germline): Uncertain significance (1 of 4 stars; one submission).

Conditions:
MYCBP2-related disorder. Also called: MYCBP2-related condition.

gnomAD v4.1: 1 of 1,613,564 alleles (0.000062%); highest among the groups gnomAD compares: African/African-American, 0.0013%; no homozygotes.

Submission:

PreventionGenetics, part of Exact Sciences
Classification: Uncertain significance for MYCBP2-related condition. Last evaluated: 2025-06-30. Review status: criteria provided, single submitter. Criteria: ACMG Guidelines, 2015. Collection method: clinical testing. Allele origin: germline.
Comment: The MYCBP2 c.2517T>A variant is predicted to result in the amino acid substitution p.Asp839Glu. To our knowledge, this variant has not been reported in the literature or in a large population database (gnomAD), indicating this variant is rare. At this time, the clinical significance of this variant is uncertain due to the absence of conclusive functional and genetic evidence.

NM_015057.5(MYCBP2):c.2517T>A (p.Asp839Glu)

Gene: MYCBP2 (MYC binding protein 2; minus strand). Cytogenetic location: 13q22.3.
Variant type: single nucleotide variant.
Coding change: c.2517T>A on transcript NM_015057.5 (MANE Select); coding-DNA position 2517, T replaced by A.
Protein change: p.Asp839Glu; replaces aspartic acid 839 with glutamic acid.
Molecular consequence: missense variant.
Genome position (GRCh38, 1-based): chr13:77,243,816, A>T on the plus strand (T>A on the coding strand, the complement: MYCBP2 is on the minus strand). VCF-style: chr13-77243816-A-T. GRCh37 (hg19) VCF-style: chr13-77817951-A-T.
Other names: short protein forms D839E.
Identifiers: ClinVar variation 4982732 (VCV004982732.1).